The following is an entry in ClinVar:

NM_000051.4(ATM):c.5005+10A>G

Gene: ATM (ATM serine/threonine kinase; plus strand). Cytogenetic location: 11q22.3.
Variant type: single nucleotide variant.
Coding change: c.5005+10A>G on transcript NM_000051.4 (MANE Select); 10 bases into the intron after coding-DNA position 5005, A replaced by G.
Molecular consequence: intron variant.
Genome position (GRCh38, 1-based): chr11:108,297,392, A>G. VCF-style: chr11-108297392-A-G. GRCh37 (hg19) VCF-style: chr11-108168119-A-G.
Other names: c.5005+10A>G (NM_001351834.2).
Identifiers: ClinVar variation 1086880 (VCV001086880.10), dbSNP rs2083183551, ClinGen allele CA2499220650.

ClinVar aggregate classification (germline): Likely benign. Review status: criteria provided, multiple submitters, no conflicts (2 of 4 stars). 2 submissions from 2 submitters: Likely benign (2). Last evaluated 2024-05-21.

Conditions:
Familial cancer of breast. Also called: BREAST CANCER, FAMILIAL; Hereditary breast cancer; hereditary breast carcinoma. Identifiers: Orphanet 227535, MedGen C0346153, MONDO:0016419, OMIM 114480. Disease mechanism: loss of function.
Ataxia-telangiectasia syndrome (AT). Also called: Ataxia-telangiectasia, complementation group D; Ataxia-telangiectasia, complementation group E; Cerebello-oculocutaneous telangiectasia; Immunodeficiency with ataxia telangiectasia; Ataxia telangiectasia (A-T); Ataxia-telangiectasia. Identifiers: Orphanet 100, MedGen C0004135, MONDO:0008840, OMIM 208900.

Submissions (2):

Myriad Genetics, Inc.
Classification: Likely benign for Familial cancer of breast. Last evaluated: 2024-05-21. Review status: criteria provided, single submitter. Criteria: Myriad Autosomal Dominant, Autosomal Recessive and X-Linked Classification Criteria (2023). Collection method: clinical testing. Allele origin: unknown.
Comment: This variant is considered likely benign. This variant is intronic and is not expected to impact mRNA splicing.

Labcorp Genetics (formerly Invitae), Labcorp
Classification: Likely benign for Ataxia-telangiectasia syndrome. Last evaluated: 2023-03-02. Review status: criteria provided, single submitter. Criteria: Invitae Variant Classification Sherloc (09022015). Collection method: clinical testing. Allele origin: germline.